The following is an entry in ClinVar:

NM_001298.3(CNGA3):c.667C>G (p.Arg223Gly)

Gene: CNGA3 (cyclic nucleotide gated channel subunit alpha 3; plus strand). Cytogenetic location: 2q11.2.
Variant type: single nucleotide variant.
Coding change: c.667C>G on transcript NM_001298.3 (MANE Select); coding-DNA position 667, C replaced by G.
Protein change: p.Arg223Gly; replaces arginine 223 with glycine.
Molecular consequence: missense variant.
Genome position (GRCh38, 1-based): chr2:98,391,964, C>G. VCF-style: chr2-98391964-C-G. GRCh37 (hg19) VCF-style: chr2-99008427-C-G.
Other names: c.613C>G, p.Arg205Gly (NM_001079878.2); short protein forms R223G, R205G.
Identifiers: ClinVar variation 812278 (VCV000812278.10), dbSNP rs138958917, ClinGen allele CA1793840.

ClinVar aggregate classification (germline): Pathogenic/Likely pathogenic. Review status: criteria provided, multiple submitters, no conflicts (2 of 4 stars). 6 submissions from 6 submitters: Pathogenic (2); Likely pathogenic (3). 1 of the submissions does not count toward it. Last evaluated 2025-04-21.

Conditions:
Inborn genetic diseases. Identifiers: MedGen C0950123, MeSH D030342.
Achromatopsia. Also called: Rod monochromatism. Identifiers: Orphanet 49382, MedGen C0152200, MONDO:0018852, HP:0011516.
Achromatopsia 2 (ACHM2). Also called: COLORBLINDNESS, TOTAL; ROD MONOCHROMACY 2; ROD MONOCHROMATISM 2. Identifiers: Orphanet 49382, MedGen C1857618, MONDO:0009003, OMIM 216900.
CNGA3-related disorders.

Allele frequency attached by ClinVar (database versions not stated): TOPMed 0.00001.
gnomAD v4.1: 19 of 1,613,652 alleles (0.0012%); highest among the groups gnomAD compares: Non-Finnish European, 0.00017%; no homozygotes.

Submissions (6):

Women's Health and Genetics/Laboratory Corporation of America, LabCorp
Classification: Pathogenic for Achromatopsia 2. Last evaluated: 2025-04-21. Review status: criteria provided, single submitter. Criteria: LabCorp Variant Classification Summary - May 2015. Collection method: clinical testing. Allele origin: germline.
Comment: Variant summary: CNGA3 c.667C>G (p.Arg223Gly) results in a non-conservative amino acid change located in the Ion transport domain (IPR005821) of the encoded protein sequence. Five of five in-silico tools predict a damaging effect of the variant on protein function. The variant allele was found at a frequency of 3.6e-05 in 251150 control chromosomes. c.667C>G has been observed in a compound heterozygous individual affected with Achromatopsia 2 (Wiszniewski_2007). It has also been reported in two Jewish individuals with inherited retinal diseases without clarification of the second allele variants (Sharon_2020). At least one publication reports experimental evidence evaluating an impact on protein function. The most pronounced variant effect results in <10% of normal activity (Solaki_2023). The following publications have been ascertained in the context of this evaluation (PMID: 31456290, 37689994, 17265047). ClinVar contains an entry for this variant (Variation ID: 812278). Based on the evidence outlined above, the variant was classified as pathogenic.

Labcorp Genetics (formerly Invitae), Labcorp
Classification: Pathogenic. Last evaluated: 2024-12-10. Review status: criteria provided, single submitter. Criteria: Invitae Variant Classification Sherloc (09022015). Collection method: clinical testing. Allele origin: germline.
Comment: This sequence change replaces arginine, which is basic and polar, with glycine, which is neutral and non-polar, at codon 223 of the CNGA3 protein (p.Arg223Gly). This variant is present in population databases (rs138958917, gnomAD 0.08%). This missense change has been observed in individual(s) with achromatopsia (PMID: 17265047, 31456290; internal data). In at least one individual the data is consistent with being in trans (on the opposite chromosome) from a pathogenic variant. ClinVar contains an entry for this variant (Variation ID: 812278). Invitae Evidence Modeling of protein sequence and biophysical properties (such as structural, functional, and spatial information, amino acid conservation, physicochemical variation, residue mobility, and thermodynamic stability) has been performed for this missense variant. However, the output from this modeling did not meet the statistical confidence thresholds required to predict the impact of this variant on CNGA3 protein function. This variant disrupts the p.Arg223 amino acid residue in CNGA3. Other variant(s) that disrupt this residue have been determined to be pathogenic (PMID: 11536077, 23972307). This suggests that this residue is clinically significant, and that variants that disrupt this residue are likely to be disease-causing. For these reasons, this variant has been classified as Pathogenic.

Revvity Omics, Revvity
Classification: Likely pathogenic for Achromatopsia 2. Last evaluated: 2024-04-11. Review status: criteria provided, single submitter. Criteria: ACMG Guidelines, 2015. Collection method: clinical testing. Allele origin: germline.

Ambry Genetics
Classification: Likely pathogenic for Inborn genetic diseases. Last evaluated: 2021-08-28. Review status: criteria provided, single submitter. Criteria: Ambry Variant Classification Scheme 2023. Collection method: clinical testing. Allele origin: germline.
Comment: The c.667C>G (p.R223G) alteration is located in exon 7 (coding exon 6) of the CNGA3 gene. This alteration results from a C to G substitution at nucleotide position 667, causing the arginine (R) at amino acid position 223 to be replaced by a glycine (G). Based on data from gnomAD, the G allele has an overall frequency of <0.01% (9/251150) total alleles studied. The highest observed frequency was 0.09% (9/10080) of Ashkenazi Jewish alleles. This alteration has been reported in a patient with achromatopsia in combination with a second CNGA3 alteration (Wiszniewski, 2007). Two alterations affecting the same amino acid, p.R223W and p.R223Q, have also been reported in association with achromatopsia (Wissinger, 2001; Fahim, 2013; Greenberg, 2014; Li, 2014). This amino acid position is not well conserved in available vertebrate species. This alteration is predicted to be deleterious by in silico analysis. Based on the available evidence, this alteration is classified as likely pathogenic.

Blueprint Genetics
Classification: Likely pathogenic for CNGA3-related disorders. Last evaluated: 2019-10-09. Review status: criteria provided, single submitter. Criteria: ACMG Guidelines, 2015. Collection method: clinical testing. Allele origin: germline. Affected: yes. Observed: 2 variant alleles.

Sharon lab, Hadassah-Hebrew University Medical Center
Classification: Pathogenic for achromatopsia. Last evaluated: 2019-06-23. Review status: no assertion criteria provided. Collection method: research. Allele origin: inherited. Affected: yes. Not counted in ClinVar's aggregate classification.

Literature cited by the submitters: PubMed 31456290 (cited by Women's Health and Genetics/Laboratory Corporation of America, LabCorp and Labcorp Genetics (formerly Invitae), Labcorp); PubMed 37689994 (cited by Women's Health and Genetics/Laboratory Corporation of America, LabCorp); PubMed 17265047 (cited by 3 submitters); PubMed 11536077 (cited by Labcorp Genetics (formerly Invitae), Labcorp and Ambry Genetics); PubMed 23972307 (cited by Labcorp Genetics (formerly Invitae), Labcorp and Ambry Genetics); PubMed 24504161 (cited by Ambry Genetics); PubMed 24903488 (cited by Ambry Genetics).